The following is an entry in ClinVar:

NM_000193.4(SHH):c.701T>C (p.Leu234Pro)

Gene: SHH (sonic hedgehog signaling molecule; minus strand). Cytogenetic location: 7q36.3.
Variant type: single nucleotide variant.
Coding change: c.701T>C on transcript NM_000193.4 (MANE Select); coding-DNA position 701, T replaced by C.
Protein change: p.Leu234Pro; replaces leucine 234 with proline.
Molecular consequence: missense variant. On other transcripts: intron variant (1).
Genome position (GRCh38, 1-based): chr7:155,803,588, A>G on the plus strand (T>C on the coding strand, the complement: SHH is on the minus strand). VCF-style: chr7-155803588-A-G. GRCh37 (hg19) VCF-style: chr7-155596282-A-G.
Other names: c.301+2708T>C (NM_001310462.2); short protein forms L234P.
Identifiers: ClinVar variation 3775153 (VCV003775153.1).
Genomic context (GRCh38, chr7:155,803,588, plus strand): 5'-ACGTAGAAGACCTTCTTGGCGCCGTCGTCGCGGTCCAGGAAAGTGAGGAAGTCGCTGTAG[A>G]GCAGCCGGCCCTGGTCGTCCGCCGCCAGCACGCGGTCCCCGGGGCTCAGGTCCTTCACCA-3'
Protein context (NP_000184.1, residues 224-244): VLAADDQGRL[Leu234Pro]YSDFLTFLDR

ClinVar aggregate classification (germline): Likely pathogenic (1 of 4 stars; one submission).

Conditions:
Solitary median maxillary central incisor syndrome. Also called: FUSED INCISORS; SINGLE CENTRAL MAXILLARY INCISOR; Solitary median maxillary central incisor; SMMCI SYNDROME; Single Central Incisor Syndrome. Identifiers: MedGen C1840235, MONDO:0007819, OMIM 147250, HP:0006315.

gnomAD v4.1: 1 of 1,598,428 alleles (0.000063%); highest among the groups gnomAD compares: South Asian, 0.0011%; no homozygotes.

Submission:

Laboratory of Molecular Genetics, CHU Rennes
Classification: Likely pathogenic for Solitary median maxillary central incisor syndrome. Last evaluated: 2025-02-27. Review status: criteria provided, single submitter. Criteria: ACMG Guidelines, 2015. Collection method: clinical testing. Allele origin: maternal. Inheritance: Oligogenic inheritance. Affected: yes.
Comment: The NM_000193.4:c.701T>C, is a missense variant in SHH in the Hint domain (PM1), absent from controls (PM2), predicted pathogenic by prediction tools (PP3).